The following is an entry in ClinVar:

ClinVar aggregate classification (germline): Uncertain significance (1 of 4 stars; one submission).

Allele frequency attached by ClinVar (database versions not stated): gnomAD exomes below 0.00001.
gnomAD v4.1: 5 of 1,507,298 alleles (0.00033%); highest among the groups gnomAD compares: Non-Finnish European, 0.00044%; no homozygotes.

Submission:

Labcorp Genetics (formerly Invitae), Labcorp
Classification: Uncertain significance. Last evaluated: 2024-07-15. Review status: criteria provided, single submitter. Criteria: Invitae Variant Classification Sherloc (09022015). Collection method: clinical testing. Allele origin: germline.
Comment: This sequence change replaces histidine, which is basic and polar, with leucine, which is neutral and non-polar, at codon 21 of the RUSC2 protein (p.His21Leu). This variant is not present in population databases (gnomAD no frequency). This variant has not been reported in the literature in individuals affected with RUSC2-related conditions. ClinVar contains an entry for this variant (Variation ID: 1995239). An algorithm developed to predict the effect of missense changes on protein structure and function (PolyPhen-2) suggests that this variant is likely to be disruptive. In summary, the available evidence is currently insufficient to determine the role of this variant in disease. Therefore, it has been classified as a Variant of Uncertain Significance.

NM_014806.5(RUSC2):c.62A>T (p.His21Leu)

Gene: RUSC2 (RUN and SH3 domain containing 2; plus strand). Cytogenetic location: 9p13.3.
Variant type: single nucleotide variant.
Coding change: c.62A>T on transcript NM_014806.5 (MANE Select); coding-DNA position 62, A replaced by T.
Protein change: p.His21Leu; replaces histidine 21 with leucine.
Molecular consequence: missense variant. On other transcripts: non-coding transcript variant (1), intron variant (1).
Genome position (GRCh38, 1-based): chr9:35,546,583, A>T. VCF-style: chr9-35546583-A-T. GRCh37 (hg19) VCF-style: chr9-35546580-A-T.
Other names: c.62A>T, p.His21Leu (NM_001135999.2); c.-620-8477A>T (NM_001330740.2); short protein forms H21L.
Identifiers: ClinVar variation 1995239 (VCV001995239.4), dbSNP rs2490378677, ClinGen allele CA373325717.